The following is an entry in ClinVar:

ClinVar aggregate classification (germline): Uncertain significance (1 of 4 stars; one submission).

Allele frequency attached by ClinVar (database versions not stated): gnomAD exomes below 0.00001.
gnomAD v4.1: 1 of 1,614,170 alleles (0.000062%); highest among the groups gnomAD compares: Non-Finnish European, 0.000085%; no homozygotes.

Submission:

Labcorp Genetics (formerly Invitae), Labcorp
Classification: Uncertain significance. Last evaluated: 2021-12-27. Review status: criteria provided, single submitter. Criteria: Invitae Variant Classification Sherloc (09022015). Collection method: clinical testing. Allele origin: germline.
Comment: In summary, the available evidence is currently insufficient to determine the role of this variant in disease. Therefore, it has been classified as a Variant of Uncertain Significance. Algorithms developed to predict the effect of missense changes on protein structure and function output the following: SIFT: "Deleterious"; PolyPhen-2: "Benign"; Align-GVGD: "Class C0". The aspartic acid amino acid residue is found in multiple mammalian species, which suggests that this missense change does not adversely affect protein function. This variant has not been reported in the literature in individuals affected with ZHX3-related conditions. This variant is not present in population databases (gnomAD no frequency). This sequence change replaces glutamic acid, which is acidic and polar, with aspartic acid, which is acidic and polar, at codon 694 of the ZHX3 protein (p.Glu694Asp).

NM_001384317.1(ZHX3):c.2082G>T (p.Glu694Asp)

Gene: ZHX3 (zinc fingers and homeoboxes 3; minus strand). Cytogenetic location: 20q12.
Variant type: single nucleotide variant.
Coding change: c.2082G>T on transcript NM_001384317.1 (MANE Select); coding-DNA position 2082, G replaced by T.
Protein change: p.Glu694Asp; replaces glutamic acid 694 with aspartic acid.
Molecular consequence: missense variant.
Genome position (GRCh38, 1-based): chr20:41,202,835, C>A on the plus strand (G>T on the coding strand, the complement: ZHX3 is on the minus strand). VCF-style: chr20-41202835-C-A. GRCh37 (hg19) VCF-style: chr20-39831475-C-A.
Other names: c.2082G>T, p.Glu694Asp (NM_001384315.1, NM_001384316.1, NM_001384318.1 and 8 more transcripts); short protein forms E694D.
Identifiers: ClinVar variation 2061735 (VCV002061735.4), dbSNP rs2515750478, ClinGen allele CA409035590.